The following is an entry in ClinVar:

NM_005445.4(SMC3):c.1558C>T (p.Arg520Cys)

Gene: SMC3 (structural maintenance of chromosomes 3; plus strand). Cytogenetic location: 10q25.2.
Variant type: single nucleotide variant.
Coding change: c.1558C>T on transcript NM_005445.4 (MANE Select); coding-DNA position 1558, C replaced by T.
Protein change: p.Arg520Cys; replaces arginine 520 with cysteine.
Molecular consequence: missense variant.
Genome position (GRCh38, 1-based): chr10:110,590,460, C>T. VCF-style: chr10-110590460-C-T. GRCh37 (hg19) VCF-style: chr10-112350218-C-T.
Other names: short protein forms R520C.
Identifiers: ClinVar variation 3711128 (VCV003711128.2).

ClinVar aggregate classification (germline): Uncertain significance (1 of 4 stars; one submission).

Conditions:
Cornelia de Lange syndrome 3 (CDLS3). Also called: SMC3-Related Cornelia de Lange Syndrome; CORNELIA DE LANGE SYNDROME 3 WITH OR WITHOUT MIDLINE BRAIN DEFECTS. Identifiers: Orphanet 199, MedGen C1853099, MONDO:0012555, OMIM 610759.

Submission:

Labcorp Genetics (formerly Invitae), Labcorp
Classification: Uncertain significance for Cornelia de Lange syndrome 3. Last evaluated: 2025-11-02. Review status: criteria provided, single submitter. Criteria: Invitae Variant Classification Sherloc (09022015). Collection method: clinical testing. Allele origin: germline.
Comment: This sequence change replaces arginine, which is basic and polar, with cysteine, which is neutral and slightly polar, at codon 520 of the SMC3 protein (p.Arg520Cys). This variant is present in population databases (rs768778247, gnomAD 0.0009%). This variant has not been reported in the literature in individuals affected with SMC3-related conditions. ClinVar contains an entry for this variant (Variation ID: 3711128). Invitae Evidence Modeling of protein sequence and biophysical properties (such as structural, functional, and spatial information, amino acid conservation, physicochemical variation, residue mobility, and thermodynamic stability) indicates that this missense variant is expected to disrupt SMC3 protein function with a positive predictive value of 95%. In summary, the available evidence is currently insufficient to determine the role of this variant in disease. Therefore, it has been classified as a Variant of Uncertain Significance.